The following is an entry in ClinVar:

NM_006767.4(LZTR1):c.2240A>C (p.Tyr747Ser)

Gene: LZTR1 (leucine zipper like post translational regulator 1; plus strand). Cytogenetic location: 22q11.21.
Variant type: single nucleotide variant.
Coding change: c.2240A>C on transcript NM_006767.4 (MANE Select); coding-DNA position 2240, A replaced by C.
Protein change: p.Tyr747Ser; replaces tyrosine 747 with serine.
Molecular consequence: missense variant.
Genome position (GRCh38, 1-based): chr22:20,996,716, A>C. VCF-style: chr22-20996716-A-C. GRCh37 (hg19) VCF-style: chr22-21351005-A-C.
Other names: c.2240A>C (NM_006767.3); short protein forms Y747S.
Identifiers: ClinVar variation 2171555 (VCV002171555.5), dbSNP rs1474790426, ClinGen allele CA410780764.

ClinVar aggregate classification (germline): Uncertain significance. Review status: criteria provided, multiple submitters, no conflicts (2 of 4 stars). 2 submissions from 2 submitters: Uncertain significance (2). Last evaluated 2024-12-13.

Conditions:
Cardiovascular phenotype. Identifiers: MedGen CN230736.
Hereditary cancer-predisposing syndrome. Also called: Hereditary neoplastic syndrome; Neoplastic Syndromes, Hereditary; Hereditary Cancer Syndrome; Tumor predisposition. Identifiers: Orphanet 140162, MedGen C0027672, MeSH D009386, MONDO:0015356.

Submissions (2):

Ambry Genetics
Classification: Uncertain significance for Cardiovascular phenotype; Hereditary cancer-predisposing syndrome. Last evaluated: 2024-12-13. Review status: criteria provided, single submitter. Criteria: Ambry Variant Classification Scheme 2023. Collection method: clinical testing. Allele origin: germline.
Comment: The p.Y747S variant (also known as c.2240A>C), located in coding exon 19 of the LZTR1 gene, results from an A to C substitution at nucleotide position 2240. The tyrosine at codon 747 is replaced by serine, an amino acid with dissimilar properties. This amino acid position is conserved. In addition, the in silico prediction for this alteration is inconclusive. Based on the available evidence, the clinical significance of this variant remains unclear.

Labcorp Genetics (formerly Invitae), Labcorp
Classification: Uncertain significance. Last evaluated: 2022-07-29. Review status: criteria provided, single submitter. Criteria: Invitae Variant Classification Sherloc (09022015). Collection method: clinical testing. Allele origin: germline.
Comment: This sequence change replaces tyrosine, which is neutral and polar, with serine, which is neutral and polar, at codon 747 of the LZTR1 protein (p.Tyr747Ser). This variant is not present in population databases (gnomAD no frequency). This variant has not been reported in the literature in individuals affected with LZTR1-related conditions. Algorithms developed to predict the effect of missense changes on protein structure and function (SIFT, PolyPhen-2, Align-GVGD) all suggest that this variant is likely to be tolerated. In summary, the available evidence is currently insufficient to determine the role of this variant in disease. Therefore, it has been classified as a Variant of Uncertain Significance.